The following is an entry in ClinVar:

ClinVar aggregate classification (germline): Uncertain significance. Review status: criteria provided, multiple submitters, no conflicts (2 of 4 stars). 2 submissions from 2 submitters: Uncertain significance (2). Last evaluated 2024-01-16.

Conditions:
Hereditary cancer-predisposing syndrome. Also called: Hereditary Cancer Syndrome; Neoplastic Syndromes, Hereditary; Tumor predisposition; Hereditary neoplastic syndrome. Identifiers: Orphanet 140162, MedGen C0027672, MeSH D009386, MONDO:0015356.

Allele frequency attached by ClinVar (database versions not stated): gnomAD exomes below 0.00001; gnomAD 0.00001; TOPMed 0.00001.
gnomAD v4.1: 3 of 1,610,918 alleles (0.00019%); highest among the groups gnomAD compares: Admixed American, 0.0017%; no homozygotes.

Submissions (2):

Blueprint Genetics
Classification: Uncertain significance. Last evaluated: 2024-01-16. Review status: criteria provided, single submitter. Criteria: ACMG Guidelines, 2015. Collection method: clinical testing. Allele origin: germline.

Ambry Genetics
Classification: Uncertain significance for Hereditary cancer-predisposing syndrome. Last evaluated: 2023-01-08. Review status: criteria provided, single submitter. Criteria: Ambry Variant Classification Scheme 2023. Collection method: clinical testing. Allele origin: germline.
Comment: The p.I58S variant (also known as c.173T>G), located in coding exon 2 of the EPCAM gene, results from a T to G substitution at nucleotide position 173. The isoleucine at codon 58 is replaced by serine, an amino acid with dissimilar properties. This amino acid position is conserved. In addition, this alteration is predicted to be tolerated by in silico analysis. Since supporting evidence is limited at this time, the clinical significance of this alteration remains unclear.

NM_002354.3(EPCAM):c.173T>G (p.Ile58Ser)

Gene: EPCAM (epithelial cell adhesion molecule; plus strand). Cytogenetic location: 2p21.
Variant type: single nucleotide variant.
Coding change: c.173T>G on transcript NM_002354.3 (MANE Select); coding-DNA position 173, T replaced by G.
Protein change: p.Ile58Ser; replaces isoleucine 58 with serine.
Molecular consequence: missense variant.
Genome position (GRCh38, 1-based): chr2:47,373,559, T>G. VCF-style: chr2-47373559-T-G. GRCh37 (hg19) VCF-style: chr2-47600698-T-G.
Other names: short protein forms I58S.
Identifiers: ClinVar variation 2477666 (VCV002477666.3), dbSNP rs765501069, ClinGen allele CA46691195.